The following is an entry in ClinVar:

ClinVar aggregate classification (germline): Likely benign (0 of 4 stars; one submission).

Conditions:
EFCAB13-related disorder. Also called: EFCAB13-related condition.

Allele frequency attached by ClinVar (database versions not stated): TOPMed 0.00009; gnomAD 0.00010; gnomAD exomes 0.00014; ExAC 0.00019; ESP Exome Variant Server 0.00023.
gnomAD v4.1: 212 of 1,583,242 alleles (0.013%); highest among the groups gnomAD compares: Non-Finnish European, 0.017%; no homozygotes.

Submission:

PreventionGenetics, part of Exact Sciences
Classification: Likely benign for EFCAB13-related condition. Last evaluated: 2019-04-29. Review status: no assertion criteria provided. Collection method: clinical testing. Allele origin: germline.
Comment: This variant is classified as likely benign based on ACMG/AMP sequence variant interpretation guidelines (Richards et al. 2015 PMID: 25741868, with internal and published modifications).

NM_152347.5(EFCAB13):c.1802-9A>G

Gene: EFCAB13 (EF-hand calcium binding domain 13; plus strand). Cytogenetic location: 17q21.32.
Variant type: single nucleotide variant.
Coding change: c.1802-9A>G on transcript NM_152347.5 (MANE Select); 9 bases into the intron before coding-DNA position 1802, A replaced by G.
Molecular consequence: intron variant.
Genome position (GRCh38, 1-based): chr17:47,395,825, A>G. VCF-style: chr17-47395825-A-G. GRCh37 (hg19) VCF-style: chr17-45473191-A-G.
Other names: c.1514-9A>G (NM_001195192.2).
Identifiers: ClinVar variation 3056878 (VCV003056878.2), dbSNP rs369507720, ClinGen allele CA8624076.